The following is an entry in ClinVar:

ClinVar aggregate classification (germline): Uncertain significance. Review status: criteria provided, multiple submitters, no conflicts (2 of 4 stars). 4 submissions from 4 submitters: Uncertain significance (4). Last evaluated 2025-11-01.

Conditions:
Hereditary cancer-predisposing syndrome. Also called: Neoplastic Syndromes, Hereditary; Hereditary Cancer Syndrome; Tumor predisposition; Hereditary neoplastic syndrome. Identifiers: Orphanet 140162, MedGen C0027672, MeSH D009386, MONDO:0015356.
Juvenile polyposis syndrome (JPS). Identifiers: Orphanet 2929, MedGen C0345893, MONDO:0017380, OMIM 174900.

Allele frequency attached by ClinVar (database versions not stated): gnomAD exomes 0.00001; ExAC 0.00002.

Submissions (4):

Labcorp Genetics (formerly Invitae), Labcorp
Classification: Uncertain significance for Juvenile polyposis syndrome. Last evaluated: 2025-11-01. Review status: criteria provided, single submitter. Criteria: Invitae Variant Classification Sherloc (09022015). Collection method: clinical testing. Allele origin: germline.
Comment: This sequence change replaces methionine, which is neutral and non-polar, with leucine, which is neutral and non-polar, at codon 250 of the BMPR1A protein (p.Met250Leu). This variant is present in population databases (rs762087997, gnomAD 0.0009%). This variant has not been reported in the literature in individuals affected with BMPR1A-related conditions. ClinVar contains an entry for this variant (Variation ID: 1437598). Invitae Evidence Modeling of protein sequence and biophysical properties (such as structural, functional, and spatial information, amino acid conservation, physicochemical variation, residue mobility, and thermodynamic stability) indicates that this missense variant is not expected to disrupt BMPR1A protein function with a negative predictive value of 80%. In summary, the available evidence is currently insufficient to determine the role of this variant in disease. Therefore, it has been classified as a Variant of Uncertain Significance.

Color Diagnostics, LLC DBA Color Health
Classification: Uncertain significance for Hereditary cancer-predisposing syndrome. Last evaluated: 2024-02-18. Review status: criteria provided, single submitter. Criteria: ACMG Guidelines, 2015. Collection method: clinical testing. Allele origin: germline.
Comment: This missense variant replaces methionine with leucine at codon 250 of the BMPR1A protein. Computational prediction suggests that this variant may not impact protein structure and function (internally defined REVEL score threshold <= 0.5, PMID: 27666373). To our knowledge, functional studies have not been reported for this variant. This variant has not been reported in individuals affected with BMPR1A-related disorders in the literature. This variant has been identified in 2/251386 chromosomes in the general population by the Genome Aggregation Database (gnomAD). The available evidence is insufficient to determine the role of this variant in disease conclusively. Therefore, this variant is classified as a Variant of Uncertain Significance.

GeneDx
Classification: Uncertain significance. Last evaluated: 2022-11-23. Review status: criteria provided, single submitter. Criteria: GeneDx Variant Classification Process June 2021. Collection method: clinical testing. Allele origin: germline. Affected: yes.
Comment: Not observed at significant frequency in large population cohorts (gnomAD); In silico analysis supports that this missense variant does not alter protein structure/function; Has not been previously published as pathogenic or benign to our knowledge

Ambry Genetics
Classification: Uncertain significance for Hereditary cancer-predisposing syndrome. Last evaluated: 2020-02-04. Review status: criteria provided, single submitter. Criteria: Ambry Variant Classification Scheme 2023. Collection method: clinical testing. Allele origin: germline.
Comment: The p.M250L variant (also known as c.748A>T), located in coding exon 7 of the BMPR1A gene, results from an A to T substitution at nucleotide position 748. The methionine at codon 250 is replaced by leucine, an amino acid with highly similar properties. This amino acid position is not well conserved in available vertebrate species. In addition, this alteration is predicted to be tolerated by in silico analysis. Since supporting evidence is limited at this time, the clinical significance of this alteration remains unclear.

NM_004329.3(BMPR1A):c.748A>T (p.Met250Leu)

Gene: BMPR1A (bone morphogenetic protein receptor type 1A; plus strand). Cytogenetic location: 10q23.2.
Variant type: single nucleotide variant.
Coding change: c.748A>T on transcript NM_004329.3 (MANE Select); coding-DNA position 748, A replaced by T.
Protein change: p.Met250Leu; replaces methionine 250 with leucine.
Molecular consequence: missense variant.
Genome position (GRCh38, 1-based): chr10:86,917,206, A>T. VCF-style: chr10-86917206-A-T. GRCh37 (hg19) VCF-style: chr10-88676963-A-T.
Other names: short protein forms M250L.
Identifiers: ClinVar variation 1437598 (VCV001437598.12), dbSNP rs762087997, ClinGen allele CA5585597.